The following is an entry in ClinVar:

ClinVar aggregate classification (germline): Uncertain significance (1 of 4 stars; one submission).

Conditions:
Williams syndrome (WBS). Also called: CHROMOSOME 7q11.23 DELETION SYNDROME, 1.5- TO 1.8-MB; WILLIAMS-BEUREN SYNDROME. Identifiers: Orphanet 904, MedGen C0175702, MONDO:0008678, OMIM 194050. Disease mechanism: loss of function.

Allele frequency attached by ClinVar (database versions not stated): gnomAD exomes 0.00001 and below 0.00001; ExAC 0.00002.
gnomAD v4.1: 3 of 1,613,872 alleles (0.00019%); highest among the groups gnomAD compares: East Asian, 0.0022%; no homozygotes.

Submission:

Centre for Mendelian Genomics, University Medical Centre Ljubljana
Classification: Uncertain significance for Williams syndrome. Last evaluated: 2020-03-31. Review status: criteria provided, single submitter. Criteria: ACMG Guidelines, 2015. Collection method: clinical testing. Allele origin: unknown. Affected: yes.
Comment: This variant was classified as: Uncertain significance. The available evidence on this variant's pathogenicity is insufficient or conflicting. The following ACMG criteria were applied in classifying this variant: PM2,BP4.

NM_000501.4(ELN):c.893T>C (p.Val298Ala)

Gene: ELN (elastin; plus strand). Cytogenetic location: 7q11.23.
Variant type: single nucleotide variant.
Coding change: c.893T>C on transcript NM_000501.4 (MANE Select); coding-DNA position 893, T replaced by C.
Protein change: p.Val298Ala; replaces valine 298 with alanine.
Molecular consequence: missense variant.
Genome position (GRCh38, 1-based): chr7:74,051,927, T>C. VCF-style: chr7-74051927-T-C. GRCh37 (hg19) VCF-style: chr7-73466257-T-C.
Other names: c.863T>C, p.Val288Ala (NM_001081752.3, NM_001278917.2); c.908T>C, p.Val303Ala (NM_001081753.3, NM_001081754.3); c.893T>C, p.Val298Ala (NM_001081755.3, NM_001278912.2, NM_001278915.2 and 1 more transcripts); c.785T>C, p.Val262Ala (NM_001278913.2); c.878T>C, p.Val293Ala (NM_001278914.2); c.851T>C, p.Val284Ala (NM_001278916.2); c.761T>C, p.Val254Ala (NM_001278918.2); short protein forms V254A, V262A, V288A, V293A, V298A, V284A, V303A.
Identifiers: ClinVar variation 930956 (VCV000930956.3), dbSNP rs782205353, ClinGen allele CA4292753.
Genomic context (GRCh38, chr7:74,051,927, plus strand): 5'-TGTGTCCTTGAGATGGCCACAGGGCAAGGACCTCACCCTCTGTGGCTGTGTTTTCAGGCG[T>C]TGGGACTCCAGCTGCAGCTGCAGCTGCAGCAGCAGCCGCTAAGGCAGCCAAGTATGGTGA-3'
Protein context (NP_000492.2, residues 288-308): AIPGIGGIAG[Val298Ala]GTPAAAAAAA